The following is an entry in ClinVar:

ClinVar aggregate classification (germline): Pathogenic/Likely pathogenic. Review status: criteria provided, multiple submitters, no conflicts (2 of 4 stars). 3 submissions from 3 submitters: Pathogenic (1); Likely pathogenic (1). 1 of the submissions does not count toward it. Last evaluated 2020-09-04.

Conditions:
Leukodystrophy, hypomyelinating, 6. Also called: LEUKODYSTROPHY, HYPOMYELINATING, WITH ATROPHY OF THE BASAL GANGLIA AND CEREBELLUM; TUBB4A-Associated Leukodystrophy; Hypomyelination with Atrophy of Basal Ganglia and Cerebellum (H-ABC). Identifiers: Orphanet 139441, MedGen C2676244, MONDO:0012905, OMIM 612438.

Submissions (3):

GeneDx
Classification: Likely pathogenic. Last evaluated: 2020-09-04. Review status: criteria provided, single submitter. Criteria: GeneDx Variant Classification Process June 2021. Collection method: clinical testing. Allele origin: germline. Affected: yes.
Comment: In silico analysis supports that this missense variant has a deleterious effect on protein structure/function; Not observed in large population cohorts (Lek et al., 2016); This variant is associated with the following publications: (PMID: 27809427, 25614026, 25545912)

Labcorp Genetics (formerly Invitae), Labcorp
Classification: Pathogenic for Leukodystrophy, hypomyelinating, 6. Last evaluated: 2020-06-17. Review status: criteria provided, single submitter. Criteria: Invitae Variant Classification Sherloc (09022015). Collection method: clinical testing. Allele origin: germline.
Comment: For these reasons, this variant has been classified as Pathogenic. Algorithms developed to predict the effect of missense changes on protein structure and function are either unavailable or do not agree on the potential impact of this missense change (SIFT: "Deleterious"; PolyPhen-2: "Probably Damaging"; Align-GVGD: "Class C0"). This variant has been observed in individual(s) with clinical features of TUBB4A-related conditions (PMID: 25545912, Invitae). In at least one individual the variant was observed to be de novo. ClinVar contains an entry for this variant (Variation ID: 267783). This variant is not present in population databases (ExAC no frequency). This sequence change replaces alanine with valine at codon 314 of the TUBB4A protein (p.Ala314Val). The alanine residue is highly conserved and there is a small physicochemical difference between alanine and valine.

GeneReviews
No classification provided. Condition: Leukodystrophy, hypomyelinating, 6. Review status: no classification provided. Collection method: literature only. Allele origin: germline. Affected: yes. Not counted in ClinVar's aggregate classification.

Literature cited by the submitters: PubMed 25545912 (cited by Labcorp Genetics (formerly Invitae), Labcorp and GeneReviews); NCBI Bookshelf NBK395611 (cited by GeneReviews).

NM_006087.4(TUBB4A):c.941C>T (p.Ala314Val)

Gene: TUBB4A (tubulin beta 4A class IVa; minus strand). Cytogenetic location: 19p13.3.
Variant type: single nucleotide variant.
Coding change: c.941C>T on transcript NM_006087.4 (MANE Select); coding-DNA position 941, C replaced by T.
Protein change: p.Ala314Val; replaces alanine 314 with valine.
Molecular consequence: missense variant.
Genome position (GRCh38, 1-based): chr19:6,495,558, G>A on the plus strand (C>T on the coding strand, the complement: TUBB4A is on the minus strand). VCF-style: chr19-6495558-G-A. GRCh37 (hg19) VCF-style: chr19-6495569-G-A.
Other names: c.1094C>T, p.Ala365Val (NM_001289123.2); c.1076C>T, p.Ala359Val (NM_001289127.2); c.941C>T, p.Ala314Val (NM_001289129.2); c.725C>T, p.Ala242Val (NM_001289130.2, NM_001289131.2); short protein forms A365V, A314V, A359V, A242V.
Identifiers: ClinVar variation 267783 (VCV000267783.13), dbSNP rs886041013, ClinGen allele CA10602627.